The following is an entry in ClinVar:

NM_000179.3(MSH6):c.425G>A (p.Trp142Ter)

Gene: MSH6 (mutS homolog 6; plus strand). Cytogenetic location: 2p16.3.
Variant type: single nucleotide variant.
Coding change: c.425G>A on transcript NM_000179.3 (MANE Select); coding-DNA position 425, G replaced by A.
Protein change: p.Trp142Ter; replaces tryptophan 142 with a stop codon.
Molecular consequence: nonsense. On other transcripts: 5 prime UTR variant (7), non-coding transcript variant (5), intron variant (6).
Genome position (GRCh38, 1-based): chr2:47,791,091, G>A. VCF-style: chr2-47791091-G-A. GRCh37 (hg19) VCF-style: chr2-48018230-G-A.
Other names: c.-312G>A (NM_001281493.2, NM_001406823.1, NM_001406829.1 and 1 more transcripts); c.-478G>A (NM_001281494.2); c.521G>A, p.Trp174Ter (NM_001406795.1, NM_001406802.1); c.425G>A, p.Trp142Ter (NM_001406796.1, NM_001406798.1, NM_001406800.1 and 6 more transcripts); c.128G>A, p.Trp43Ter (NM_001406797.1, NM_001406801.1, NM_001406821.1 and 10 more transcripts); c.347G>A, p.Trp116Ter (NM_001406804.1); c.257G>A, p.Trp86Ter (NM_001406826.1); c.-504G>A (NM_001406807.1); and 5 more; short protein forms W116*, W142*, W43*, W86*, W174*.
Identifiers: ClinVar variation 3724188 (VCV003724188.2).

ClinVar aggregate classification (germline): Pathogenic (1 of 4 stars; one submission).

Conditions:
Hereditary nonpolyposis colorectal neoplasms. Identifiers: MedGen C0009405, MeSH D003123.

gnomAD v4.1: 1 of 1,614,190 alleles (0.000062%); highest among the groups gnomAD compares: Non-Finnish European, 0.000085%; no homozygotes.

Submission:

Labcorp Genetics (formerly Invitae), Labcorp
Classification: Pathogenic for Hereditary nonpolyposis colorectal neoplasms. Last evaluated: 2024-11-22. Review status: criteria provided, single submitter. Criteria: Invitae Variant Classification Sherloc (09022015). Collection method: clinical testing. Allele origin: germline.
Comment: This sequence change creates a premature translational stop signal (p.Trp142*) in the MSH6 gene. It is expected to result in an absent or disrupted protein product. Loss-of-function variants in MSH6 are known to be pathogenic (PMID: 18269114, 24362816). This variant is not present in population databases (gnomAD no frequency). This premature translational stop signal has been observed in individual(s) with colorectal cancer (PMID: 34873480). For these reasons, this variant has been classified as Pathogenic.

Literature cited by the submitters: PubMed 18269114; PubMed 24362816; PubMed 34873480.